The following is an entry in ClinVar:

ClinVar aggregate classification (germline): Uncertain significance (1 of 4 stars; one submission).

Conditions:
Alstrom syndrome (ALMS). Identifiers: Orphanet 64, MedGen C0268425, MONDO:0008763, OMIM 203800.

Allele frequency attached by ClinVar (database versions not stated): gnomAD exomes below 0.00001; gnomAD 0.00001; TOPMed 0.00001.
gnomAD v4.1: 5 of 1,613,968 alleles (0.00031%); highest among the groups gnomAD compares: Admixed American, 0.005%; no homozygotes.

Submission:

Labcorp Genetics (formerly Invitae), Labcorp
Classification: Uncertain significance for Alstrom syndrome. Last evaluated: 2024-10-18. Review status: criteria provided, single submitter. Criteria: Invitae Variant Classification Sherloc (09022015). Collection method: clinical testing. Allele origin: germline.
Comment: This sequence change replaces threonine with serine at codon 3099 of the ALMS1 protein (p.Thr3099Ser). The threonine residue is moderately conserved and there is a small physicochemical difference between threonine and serine. This variant is present in population databases (no rsID available, gnomAD 0.003%). This variant has not been reported in the literature in individuals affected with ALMS1-related conditions. ClinVar contains an entry for this variant (Variation ID: 1357920). Experimental studies and prediction algorithms are not available or were not evaluated, and the functional significance of this variant is currently unknown. In summary, the available evidence is currently insufficient to determine the role of this variant in disease. Therefore, it has been classified as a Variant of Uncertain Significance.

NM_001378454.1(ALMS1):c.9292A>T (p.Thr3098Ser)

Gene: ALMS1 (ALMS1 centrosome and basal body associated protein; plus strand). Cytogenetic location: 2p13.1.
Variant type: single nucleotide variant.
Coding change: c.9292A>T on transcript NM_001378454.1 (MANE Select); coding-DNA position 9292, A replaced by T.
Protein change: p.Thr3098Ser; replaces threonine 3098 with serine.
Molecular consequence: missense variant.
Genome position (GRCh38, 1-based): chr2:73,491,251, A>T. VCF-style: chr2-73491251-A-T. GRCh37 (hg19) VCF-style: chr2-73718378-A-T.
Other names: c.9295A>T, p.Thr3099Ser (NM_015120.4); short protein forms T3099S, T3098S.
Identifiers: ClinVar variation 1357920 (VCV001357920.4), dbSNP rs1280854716, ClinGen allele CA347273957.
Genomic context (GRCh38, chr2:73,491,251, plus strand): 5'-AGGATGAATAGTGAGTTTAACTTTGACTTACATACTGTATCTTCGAGATCACTGGAACCA[A>T]CCTCCAAATTATTGACCAGTAAACCTGTAGCACAGGATCAAGAATCTTTAGGTTTTCTAG-3'
Protein context (NP_001365383.1, residues 3088-3108): HTVSSRSLEP[Thr3098Ser]SKLLTSKPVA